The following is an entry in ClinVar:

ClinVar aggregate classification (germline): Benign/Likely benign. Review status: criteria provided, multiple submitters, no conflicts (2 of 4 stars). 3 submissions from 3 submitters: Benign (2); Likely benign (1). Last evaluated 2026-01-29.

Conditions:
Obesity due to SIM1 deficiency. Identifiers: Orphanet 369873, MedGen C5191050, MONDO:0018244.

Allele frequency attached by ClinVar (database versions not stated): 1000 Genomes Project 30x 0.00640; 1000 Genomes Project 0.00659; gnomAD exomes 0.01316; ExAC 0.01330; TOPMed 0.01354; gnomAD 0.01433 and 0.01498; ESP Exome Variant Server 0.01607.
gnomAD v4.1: 31,291 of 1,614,074 alleles (1.9%); highest among the groups gnomAD compares: Non-Finnish European, 2.3%; 345 homozygotes.

Submissions (3):

Labcorp Genetics (formerly Invitae), Labcorp
Classification: Benign. Last evaluated: 2026-01-29. Review status: criteria provided, single submitter. Criteria: Invitae Variant Classification Sherloc (09022015). Collection method: clinical testing. Allele origin: germline.

Blueprint Genetics
Classification: Likely benign. Last evaluated: 2024-11-25. Review status: criteria provided, single submitter. Criteria: ACMG Guidelines, 2015. Collection method: clinical testing. Allele origin: germline.

Illumina Laboratory Services, Illumina
Classification: Benign for Obesity due to SIM1 deficiency. Last evaluated: 2017-04-27. Review status: criteria provided, single submitter. Criteria: ICSL Variant Classification Criteria 13 December 2019. Collection method: clinical testing. Allele origin: germline.
Comment: This variant was observed as part of a predisposition screen in an ostensibly healthy population. A literature search was performed for the gene, cDNA change, and amino acid change (where applicable). Publications were found based on this search. The evidence from the literature, in combination with allele frequency data from public databases where available, was sufficient to rule this variant out of causing disease. Therefore, this variant is classified as benign.

Literature cited by the submitters: PubMed 24097297 (cited by Illumina Laboratory Services, Illumina); PubMed 26795956 (cited by Illumina Laboratory Services, Illumina); PubMed 16924270 (cited by Illumina Laboratory Services, Illumina).

NM_005068.3(SIM1):c.1959C>T (p.Thr653=)

Gene: SIM1 (SIM bHLH transcription factor 1; minus strand). Cytogenetic location: 6q16.3.
Variant type: single nucleotide variant.
Coding change: c.1959C>T on transcript NM_005068.3 (MANE Select); coding-DNA position 1959, C replaced by T.
Protein change: p.Thr653=; no amino-acid change (threonine 653 retained).
Molecular consequence: synonymous variant.
Genome position (GRCh38, 1-based): chr6:100,390,703, G>A on the plus strand (C>T on the coding strand, the complement: SIM1 is on the minus strand). VCF-style: chr6-100390703-G-A. GRCh37 (hg19) VCF-style: chr6-100838579-G-A.
Other names: c.1959C>T, p.Thr653= (NM_001374769.1).
Identifiers: ClinVar variation 904718 (VCV000904718.12), dbSNP rs41318041, ClinGen allele CA3936907.